The following is an entry in ClinVar:

NM_006269.2(RP1):c.983A>T (p.Asp328Val)

Gene: RP1 (RP1 axonemal microtubule associated; plus strand). Cytogenetic location: 8q12.1.
Variant type: single nucleotide variant.
Coding change: c.983A>T on transcript NM_006269.2 (MANE Select); coding-DNA position 983, A replaced by T.
Protein change: p.Asp328Val; replaces aspartic acid 328 with valine.
Molecular consequence: missense variant. On other transcripts: intron variant (1).
Genome position (GRCh38, 1-based): chr8:54,624,865, A>T. VCF-style: chr8-54624865-A-T. GRCh37 (hg19) VCF-style: chr8-55537425-A-T.
Other names: c.787+2577A>T (NM_001375654.1); short protein forms D328V.
Identifiers: ClinVar variation 3947238 (VCV003947238.2).
Genomic context (GRCh38, chr8:54,624,865, plus strand): 5'-AGAATTTACCAATATATCCTTCTGAAGATGATATTGAGAAATCAATTATTTTTAATCAAG[A>T]CGGCACTATGACAGTTGAGATGAAAGTTCGATTCAGAATAAAAGAGGAAGAAACCATAAA-3'
Protein context (NP_006260.1, residues 318-338): DIEKSIIFNQ[Asp328Val]GTMTVEMKVR

ClinVar aggregate classification (germline): Uncertain significance. Review status: criteria provided, multiple submitters, no conflicts (2 of 4 stars). 2 submissions from 2 submitters: Uncertain significance (2). Last evaluated 2025-09-29.

Conditions:
Inborn genetic diseases. Identifiers: MedGen C0950123, MeSH D030342.

gnomAD v4.1: 1 of 1,613,670 alleles (0.000062%); highest among the groups gnomAD compares: East Asian, 0.0022%; no homozygotes.

Submissions (2):

Labcorp Genetics (formerly Invitae), Labcorp
Classification: Uncertain significance. Last evaluated: 2025-09-29. Review status: criteria provided, single submitter. Criteria: Invitae Variant Classification Sherloc (09022015). Collection method: clinical testing. Allele origin: germline.
Comment: This sequence change replaces aspartic acid, which is acidic and polar, with valine, which is neutral and non-polar, at codon 328 of the RP1 protein (p.Asp328Val). This variant is not present in population databases (gnomAD no frequency). This missense change has been observed in individual(s) with retinitis pigmentosa (internal data). In at least one individual the data is consistent with being in trans (on the opposite chromosome) from a pathogenic variant. ClinVar contains an entry for this variant (Variation ID: 3947238). An algorithm developed to predict the effect of missense changes on protein structure and function (PolyPhen-2) suggests that this variant is likely to be disruptive. In summary, the available evidence is currently insufficient to determine the role of this variant in disease. Therefore, it has been classified as a Variant of Uncertain Significance.

Ambry Genetics
Classification: Uncertain significance for Inborn genetic diseases. Last evaluated: 2025-06-10. Review status: criteria provided, single submitter. Criteria: Ambry Variant Classification Scheme 2023. Collection method: clinical testing. Allele origin: germline.